The following is an entry in ClinVar:

ClinVar aggregate classification (germline): Uncertain significance (1 of 4 stars; one submission).

Submission:

GeneDx
Classification: Uncertain significance. Last evaluated: 2026-01-29. Review status: criteria provided, single submitter. Criteria: GeneDx Variant Classification Process June 2021. Collection method: clinical testing. Allele origin: germline.
Comment: Not observed at significant frequency in large population cohorts (gnomAD); In silico analysis supports that this missense variant has a deleterious effect on protein structure/function; Has not been previously published as pathogenic or benign to our knowledge

NM_001276345.2(TNNT2):c.848A>G (p.Lys283Arg)

Gene: TNNT2 (troponin T2, cardiac type; minus strand). Cytogenetic location: 1q32.1.
Variant type: single nucleotide variant.
Coding change: c.848A>G on transcript NM_001276345.2 (MANE Select); coding-DNA position 848, A replaced by G.
Protein change: p.Lys283Arg; replaces lysine 283 with arginine.
Molecular consequence: missense variant.
Genome position (GRCh38, 1-based): chr1:201,359,626, T>C on the plus strand (A>G on the coding strand, the complement: TNNT2 is on the minus strand). VCF-style: chr1-201359626-T-C. GRCh37 (hg19) VCF-style: chr1-201328754-T-C.
Other names: c.839A>G, p.Lys280Arg (NM_000364.4, NM_001406723.1); c.818A>G, p.Lys273Arg (NM_001001430.3, NM_001276347.2, NM_001406724.1); c.809A>G, p.Lys270Arg (NM_001001431.3, NM_001406726.1, NM_001406727.1); c.800A>G, p.Lys267Arg (NM_001001432.3); c.719A>G, p.Lys240Arg (NM_001276346.2); c.815A>G, p.Lys272Arg (NM_001406725.1); c.803A>G, p.Lys268Arg (NM_001406728.1); short protein forms K240R, K267R, K268R, K270R, K272R, K273R, K280R, K283R.
Identifiers: ClinVar variation 4975692 (VCV004975692.1).